The following is an entry in ClinVar:

NM_001042492.3(NF1):c.630dup (p.Ala211fs)

Gene: NF1 (neurofibromin 1; plus strand). Cytogenetic location: 17q11.2.
Variant type: Duplication.
Coding change: c.630dup on transcript NM_001042492.3 (MANE Select); coding-DNA position 630, one base duplicated (A; older notation c.630dupA).
Protein change: p.Ala211fs; shifts the reading frame from alanine 211.
Molecular consequence: frameshift variant.
Genome position (GRCh38, 1-based): chr17:31,181,465, A duplicated. VCF-style (leftmost placement, unchanged base first): chr17-31181464-T-TA. GRCh37 (hg19) VCF-style: chr17-29508482-T-TA.
Other names: c.630dup, p.Ala211Serfs (NM_000267.4); c.630dup, p.Ala211fs (NM_001128147.3); short protein forms A211fs.
Identifiers: ClinVar variation 935173 (VCV000935173.6), dbSNP rs2066132105, ClinGen allele CA1139665358.

ClinVar aggregate classification (germline): Pathogenic (1 of 4 stars; one submission).

Conditions:
Neurofibromatosis, type 1 (NF1). Also called: Peripheral type neurofibromatosis; VON RECKLINGHAUSEN DISEASE; Neurofibromatosis, type I; NEUROFIBROMATOSIS, TYPE I, SOMATIC. Identifiers: Orphanet 636, MedGen C0027831, MONDO:0018975, OMIM 162200. Disease mechanism: loss of function.

Submission:

Labcorp Genetics (formerly Invitae), Labcorp
Classification: Pathogenic for Neurofibromatosis, type 1. Last evaluated: 2022-07-19. Review status: criteria provided, single submitter. Criteria: Invitae Variant Classification Sherloc (09022015). Collection method: clinical testing. Allele origin: germline.
Comment: This sequence change creates a premature translational stop signal (p.Ala211Serfs*5) in the NF1 gene. It is expected to result in an absent or disrupted protein product. Loss-of-function variants in NF1 are known to be pathogenic (PMID: 10712197, 23913538). This variant is not present in population databases (gnomAD no frequency). This variant has not been reported in the literature in individuals affected with NF1-related conditions. ClinVar contains an entry for this variant (Variation ID: 935173). For these reasons, this variant has been classified as Pathogenic.

Literature cited by the submitters: PubMed 10712197; PubMed 23913538.